The following is an entry in ClinVar:

ClinVar aggregate classification (germline): Likely benign. Review status: criteria provided, multiple submitters, no conflicts (2 of 4 stars). 4 submissions from 4 submitters: Likely benign (4). Last evaluated 2026-10-01.

Conditions:
Primary ciliary dyskinesia. Also called: Ciliary dyskinesia. Identifiers: Orphanet 244, MedGen C0008780, MONDO:0016575, HP:0012265.
RPGR-related disorder. Also called: RPGR-related condition.

Allele frequency attached by ClinVar (database versions not stated): gnomAD exomes 0.00003; gnomAD 0.00006.
gnomAD v4.1: 17 of 620,797 alleles (0.0027%); highest among the groups gnomAD compares: African/African-American, 0.015%; no homozygotes.

Submissions (4):

CeGaT Center for Human Genetics Tuebingen
Classification: Likely benign. Last evaluated: 2026-10-01. Review status: criteria provided, single submitter. Criteria: CeGaT Center For Human Genetics Tuebingen Variant Classification Criteria Version 2. Collection method: clinical testing. Allele origin: germline. Affected: yes. Observed: 13 variant alleles.
Comment: RPGR: BP4, BP7

Labcorp Genetics (formerly Invitae), Labcorp
Classification: Likely benign for Primary ciliary dyskinesia. Last evaluated: 2025-12-29. Review status: criteria provided, single submitter. Criteria: Invitae Variant Classification Sherloc (09022015). Collection method: clinical testing. Allele origin: germline.

PreventionGenetics, part of Exact Sciences
Classification: Likely benign for RPGR-related condition. Last evaluated: 2025-04-25. Review status: criteria provided, single submitter. Criteria: ACMG Guidelines, 2015. Collection method: clinical testing. Allele origin: germline.
Comment: This variant is classified as likely benign based on ACMG/AMP sequence variant interpretation guidelines (Richards et al. 2015 PMID: 25741868, with internal and published modifications).

Blueprint Genetics
Classification: Likely benign. Last evaluated: 2022-07-17. Review status: criteria provided, single submitter. Criteria: ACMG Guidelines, 2015. Collection method: clinical testing. Allele origin: germline.

NM_001034853.2(RPGR):c.2940G>A (p.Glu980=)

Gene: RPGR (retinitis pigmentosa GTPase regulator; minus strand). Cytogenetic location: Xp11.4.
Variant type: single nucleotide variant.
Coding change: c.2940G>A on transcript NM_001034853.2 (MANE Select); coding-DNA position 2940, G replaced by A.
Protein change: p.Glu980=; no amino-acid change (glutamic acid 980 retained).
Molecular consequence: synonymous variant. On other transcripts: intron variant (8).
Genome position (GRCh38, 1-based): chrX:38,286,059, C>T on the plus strand (G>A on the coding strand, the complement: RPGR is on the minus strand). VCF-style: chrX-38286059-C-T. GRCh37 (hg19) VCF-style: chrX-38145312-C-T.
Other names: c.1569+4900G>A (NM_001367249.1, NM_001367250.1); c.1902+1035G>A (NM_001367245.1); c.1386+4900G>A (NM_001367251.1); c.1719+1035G>A (NM_001367246.1); c.1572+4900G>A (NM_001367247.1); c.1905+1035G>A (NM_000328.3); c.1602+4900G>A (NM_001367248.1); c.2940G>A (NM_001034853.1).
Identifiers: ClinVar variation 2184392 (VCV002184392.13), dbSNP rs1242945892, ClinGen allele CA515709085.